The following is an entry in ClinVar:

ClinVar aggregate classification (germline): Uncertain significance (1 of 4 stars; one submission).

Conditions:
Wolman disease (WOLD). Also called: Acid cholesteryl ester hydrolase deficiency, Wolman type; Acid lipase disease; LYSOSOMAL ACID LIPASE DEFICIENCY, ACUTE INFANTILE; LYSOSOMAL ACID LIPASE DEFICIENCY, COMPLETE; LIPA DEFICIENCY, COMPLETE; LAL DEFICIENCY, COMPLETE. Identifiers: Orphanet 75233, MedGen C0043208, MONDO:0019148, OMIM 620151.

Allele frequency attached by ClinVar (database versions not stated): ExAC 0.00002; TOPMed 0.00003; gnomAD exomes 0.00001; gnomAD 0.00005; ESP Exome Variant Server 0.00015.
gnomAD v4.1: 19 of 1,614,074 alleles (0.0012%); highest among the groups gnomAD compares: African/African-American, 0.023%; no homozygotes.

Submission:

Labcorp Genetics (formerly Invitae), Labcorp
Classification: Uncertain significance for Wolman disease. Last evaluated: 2022-01-21. Review status: criteria provided, single submitter. Criteria: Invitae Variant Classification Sherloc (09022015). Collection method: clinical testing. Allele origin: germline.
Comment: This sequence change replaces phenylalanine, which is neutral and non-polar, with leucine, which is neutral and non-polar, at codon 208 of the LIPA protein (p.Phe208Leu). This variant is present in population databases (rs148713974, gnomAD 0.02%). This variant has not been reported in the literature in individuals affected with LIPA-related conditions. Algorithms developed to predict the effect of missense changes on protein structure and function are either unavailable or do not agree on the potential impact of this missense change (SIFT: "Tolerated"; PolyPhen-2: "Possibly Damaging"; Align-GVGD: "Class C0"). In summary, the available evidence is currently insufficient to determine the role of this variant in disease. Therefore, it has been classified as a Variant of Uncertain Significance.

NM_000235.4(LIPA):c.624C>G (p.Phe208Leu)

Gene: LIPA (lipase A, lysosomal acid type; minus strand). Cytogenetic location: 10q23.31.
Variant type: single nucleotide variant.
Coding change: c.624C>G on transcript NM_000235.4 (MANE Select); coding-DNA position 624, C replaced by G.
Protein change: p.Phe208Leu; replaces phenylalanine 208 with leucine.
Molecular consequence: missense variant.
Genome position (GRCh38, 1-based): chr10:89,225,143, G>C on the plus strand (C>G on the coding strand, the complement: LIPA is on the minus strand). VCF-style: chr10-89225143-G-C. GRCh37 (hg19) VCF-style: chr10-90984900-G-C.
Other names: c.624C>G, p.Phe208Leu (NM_001127605.3); c.276C>G, p.Phe92Leu (NM_001288979.2); short protein forms F208L, F92L.
Identifiers: ClinVar variation 2150479 (VCV002150479.1), dbSNP rs148713974, ClinGen allele CA5593666.